The following is an entry in ClinVar:

NM_001369.3(DNAH5):c.8690A>G (p.Tyr2897Cys)

Gene: DNAH5 (dynein axonemal heavy chain 5; minus strand). Cytogenetic location: 5p15.2.
Variant type: single nucleotide variant.
Coding change: c.8690A>G on transcript NM_001369.3 (MANE Select); coding-DNA position 8690, A replaced by G.
Protein change: p.Tyr2897Cys; replaces tyrosine 2897 with cysteine.
Molecular consequence: missense variant.
Genome position (GRCh38, 1-based): chr5:13,786,309, T>C on the plus strand (A>G on the coding strand, the complement: DNAH5 is on the minus strand). VCF-style: chr5-13786309-T-C. GRCh37 (hg19) VCF-style: chr5-13786418-T-C.
Other names: short protein forms Y2897C.
Identifiers: ClinVar variation 1764323 (VCV001764323.2), dbSNP rs768985491, ClinGen allele CA3202762.

ClinVar aggregate classification (germline): Uncertain significance (1 of 4 stars; one submission).

Conditions:
Primary ciliary dyskinesia. Also called: Ciliary dyskinesia. Identifiers: Orphanet 244, MedGen C0008780, MONDO:0016575, HP:0012265.

Allele frequency attached by ClinVar (database versions not stated): gnomAD exomes below 0.00001; ExAC 0.00001.
gnomAD v4.1: 1 of 1,614,132 alleles (0.000062%); highest among the groups gnomAD compares: Non-Finnish European, 0.000085%; no homozygotes.

Submission:

Ambry Genetics
Classification: Uncertain significance for Primary ciliary dyskinesia. Last evaluated: 2016-09-19. Review status: criteria provided, single submitter. Criteria: Ambry Variant Classification Scheme 2023. Collection method: clinical testing. Allele origin: germline.
Comment: The p.Y2897C variant (also known as c.8690A>G), located in coding exon 52 of the DNAH5 gene, results from an A to G substitution at nucleotide position 8690. The tyrosine at codon 2897 is replaced by cysteine, an amino acid with highly dissimilar properties. This variant was not reported in population based cohorts in the following databases: Database of Single Nucleotide Polymorphisms (dbSNP), NHLBI Exome Sequencing Project (ESP), and 1000 Genomes Project. In the ESP, this variant was not observed in 6503 samples (13006 alleles) with coverage at this position. This amino acid position is highly conserved in available vertebrate species. In addition, this alteration is predicted to be deleterious by in silico analysis. Since supporting evidence is limited at this time, the clinical significance of this alteration remains unclear.